The following is an entry in ClinVar:

NM_000179.3(MSH6):c.1025C>T (p.Ala342Val)

Gene: MSH6 (mutS homolog 6; plus strand). Cytogenetic location: 2p16.3.
Variant type: single nucleotide variant.
Coding change: c.1025C>T on transcript NM_000179.3 (MANE Select); coding-DNA position 1025, C replaced by T.
Protein change: p.Ala342Val; replaces alanine 342 with valine.
Molecular consequence: missense variant.
Genome position (GRCh38, 1-based): chr2:47,799,008, C>T. VCF-style: chr2-47799008-C-T. GRCh37 (hg19) VCF-style: chr2-48026147-C-T.
Other names: c.635C>T, p.Ala212Val (NM_001281492.2); c.119C>T, p.Ala40Val (NM_001281493.2, NM_001281494.2); short protein forms A342V, A212V, A40V.
Identifiers: ClinVar variation 418643 (VCV000418643.20), dbSNP rs753617680, ClinGen allele CA067043.

ClinVar aggregate classification (germline): Conflicting classifications of pathogenicity. Review status: criteria provided, conflicting classifications (1 of 4 stars). 6 submissions from 6 submitters: Uncertain significance (5); Likely benign (1). Last evaluated 2025-07-08.

Conditions:
Hereditary cancer-predisposing syndrome. Also called: Hereditary neoplastic syndrome; Tumor predisposition; Neoplastic Syndromes, Hereditary; Hereditary Cancer Syndrome. Identifiers: Orphanet 140162, MedGen C0027672, MeSH D009386, MONDO:0015356.
Lynch syndrome. Identifiers: Orphanet 144, MedGen C4552100, MONDO:0005835. Disease mechanism: loss of function.
Hereditary nonpolyposis colorectal neoplasms. Identifiers: MedGen C0009405, MeSH D003123.

Allele frequency attached by ClinVar (database versions not stated): gnomAD exomes below 0.00001; ExAC 0.00001.
gnomAD v4.1: 6 of 1,614,218 alleles (0.00037%); highest among the groups gnomAD compares: Non-Finnish European, 0.00051%; no homozygotes.

Submissions (6):

Labcorp Genetics (formerly Invitae), Labcorp
Classification: Likely benign for Hereditary nonpolyposis colorectal neoplasms. Last evaluated: 2025-07-08. Review status: criteria provided, single submitter. Criteria: Invitae Variant Classification Sherloc (09022015). Collection method: clinical testing. Allele origin: germline.

Center for Genomic Medicine, Rigshospitalet, Copenhagen University Hospital
Classification: Uncertain significance. Last evaluated: 2025-03-04. Review status: criteria provided, single submitter. Criteria: ACMG Guidelines, 2015. Collection method: clinical testing. Allele origin: germline.
Comment: Classification criteria: BP4

Ambry Genetics
Classification: Uncertain significance for Hereditary cancer-predisposing syndrome. Last evaluated: 2024-12-31. Review status: criteria provided, single submitter. Criteria: Ambry Variant Classification Scheme 2023. Collection method: clinical testing. Allele origin: germline.
Comment: The p.A342V variant (also known as c.1025C>T), located in coding exon 4 of the MSH6 gene, results from a C to T substitution at nucleotide position 1025. The alanine at codon 342 is replaced by valine, an amino acid with similar properties. This amino acid position is well conserved in available vertebrate species. In addition, this alteration is predicted to be tolerated by in silico analysis. Since supporting evidence is limited at this time, the clinical significance of this alteration remains unclear.

All of Us Research Program, National Institutes of Health
Classification: Uncertain significance for Lynch syndrome. Last evaluated: 2024-08-13. Review status: criteria provided, single submitter. Criteria: ACMG Guidelines, 2015. Collection method: clinical testing. Allele origin: germline. Inheritance: Autosomal dominant inheritance. Observed: 1 variant allele, 1 heterozygote.
Comment: This missense variant replaces alanine with valine at codon 342 of the MSH6 protein. Computational prediction suggests that this variant may not impact protein structure and function (internally defined REVEL score threshold <= 0.5, PMID: 27666373). To our knowledge, functional studies have not been reported for this variant. This variant has not been reported in individuals affected with MSH6-related disorders in the literature. This variant has been identified in 1/251306 chromosomes in the general population by the Genome Aggregation Database (gnomAD). The available evidence is insufficient to determine the role of this variant in disease conclusively. Therefore, this variant is classified as a Variant of Uncertain Significance.

This study involves interpretation of variants in research participants for the purpose of population health screening. Participant phenotype was not available at the time of variant classification. Additional details can be found in publication PMID: 35346344, PMCID: PMC8962531

Color Diagnostics, LLC DBA Color Health
Classification: Uncertain significance for Hereditary cancer-predisposing syndrome. Last evaluated: 2024-07-31. Review status: criteria provided, single submitter. Criteria: ACMG Guidelines, 2015. Collection method: clinical testing. Allele origin: germline.
Comment: This missense variant replaces alanine with valine at codon 342 of the MSH6 protein. Computational prediction suggests that this variant may not impact protein structure and function (internally defined REVEL score threshold <= 0.5, PMID: 27666373). To our knowledge, functional studies have not been reported for this variant. This variant has not been reported in individuals affected with MSH6-related disorders in the literature. This variant has been identified in 1/251306 chromosomes in the general population by the Genome Aggregation Database (gnomAD). The available evidence is insufficient to determine the role of this variant in disease conclusively. Therefore, this variant is classified as a Variant of Uncertain Significance.

GeneDx
Classification: Uncertain significance. Last evaluated: 2024-03-26. Review status: criteria provided, single submitter. Criteria: GeneDx Variant Classification Process June 2021. Collection method: clinical testing. Allele origin: germline. Affected: yes.
Comment: Not observed at significant frequency in large population cohorts (gnomAD); In silico analysis supports that this missense variant does not alter protein structure/function; Has not been previously published as pathogenic or benign to our knowledge; This variant is associated with the following publications: (PMID: 21437237)